The following is an entry in ClinVar:

ClinVar aggregate classification (germline): Benign. Review status: criteria provided, multiple submitters, no conflicts (2 of 4 stars). 12 submissions from 9 submitters: Benign (12). Last evaluated 2026-02-03.

Conditions:
Melnick-Fraser syndrome (BOR). Also called: Branchio-oto-renal syndrome; Branchiootorenal Syndrome (BORS); Branchiootorenal syndrome. Identifiers: Orphanet 107, MedGen C0265234, MONDO:0007029.
Otofaciocervical syndrome 1 (OTFCS). Identifiers: MedGen C3714941, MONDO:0024532, OMIM 166780.
Branchiootorenal syndrome 1. Also called: Branchio-Oto-Renal Syndrome 1. Identifiers: Orphanet 107, MedGen C4551702, MONDO:0007236, OMIM 113650.
Branchiootic syndrome 1 (BOS1). Also called: BO SYNDROME 1; BRANCHIOOTIC DYSPLASIA. Identifiers: MedGen C1865143, MONDO:0011258, OMIM 602588.

Allele frequency attached by ClinVar (database versions not stated): gnomAD 0.09204 and 0.08547; gnomAD exomes 0.10045 and 0.13025; TOPMed 0.10312; ExAC 0.12259; 1000 Genomes Project 30x 0.15443; 1000 Genomes Project 0.15935; ESP Exome Variant Server 0.06874.
gnomAD v4.1: 161,037 of 1,613,700 alleles (10%); highest among the groups gnomAD compares: East Asian, 42%; 11,653 homozygotes.

Submissions (12):

Labcorp Genetics (formerly Invitae), Labcorp
Classification: Benign for Melnick-Fraser syndrome. Last evaluated: 2026-02-03. Review status: criteria provided, single submitter. Criteria: Invitae Variant Classification Sherloc (09022015). Collection method: clinical testing. Allele origin: germline.

Blueprint Genetics
Classification: Benign. Last evaluated: 2024-11-27. Review status: criteria provided, single submitter. Criteria: ACMG Guidelines, 2015. Collection method: clinical testing. Allele origin: germline.

Mayo Clinic Laboratories, Mayo Clinic
Classification: Benign. Last evaluated: 2022-03-09. Review status: criteria provided, single submitter. Criteria: ACMG Guidelines, 2015. Collection method: clinical testing. Allele origin: germline. Observed: 52 variant alleles.

Genome-Nilou Lab
Classification: Benign for Otofaciocervical syndrome 1. Last evaluated: 2021-08-10. Review status: criteria provided, single submitter. Criteria: ACMG Guidelines, 2015. Collection method: clinical testing. Allele origin: germline. Affected: no.

Genome-Nilou Lab
Classification: Benign for Branchiootic syndrome 1. Last evaluated: 2021-08-10. Review status: criteria provided, single submitter. Criteria: ACMG Guidelines, 2015. Collection method: clinical testing. Allele origin: germline. Affected: no.

Genome-Nilou Lab
Classification: Benign for Branchiootorenal syndrome 1. Last evaluated: 2021-08-10. Review status: criteria provided, single submitter. Criteria: ACMG Guidelines, 2015. Collection method: clinical testing. Allele origin: germline. Affected: no.

Illumina Laboratory Services, Illumina
Classification: Benign for Otofaciocervical syndrome 1. Last evaluated: 2018-01-12. Review status: criteria provided, single submitter. Criteria: ICSL Variant Classification Criteria 13 December 2019. Collection method: clinical testing. Allele origin: germline.
Comment: This variant was observed in the ICSL laboratory as part of a predisposition screen in an ostensibly healthy population. It had not been previously curated by ICSL or reported in the Human Gene Mutation Database (HGMD: prior to June 1st, 2018), and was therefore a candidate for classification through an automated scoring system. Utilizing variant allele frequency, disease prevalence and penetrance estimates, and inheritance mode, an automated score was calculated to assess if this variant is too frequent to cause the disease. Based on the score and internal cut-off values, a variant classified as benign is not then subjected to further curation. The score for this variant resulted in a classification of benign for this disease.

Illumina Laboratory Services, Illumina
Classification: Benign for Branchiootic syndrome. Last evaluated: 2018-01-12. Review status: criteria provided, single submitter. Criteria: ICSL Variant Classification Criteria 13 December 2019. Collection method: clinical testing. Allele origin: germline.
Comment: the same text as in the submission from Illumina Laboratory Services, Illumina above.

GeneDx
Classification: Benign. Last evaluated: 2015-03-03. Review status: criteria provided, single submitter. Criteria: GeneDx Variant Classification Process June 2021. Collection method: clinical testing. Allele origin: germline. Affected: yes.

Laboratory for Molecular Medicine, Mass General Brigham Personalized Medicine
Classification: Benign. Last evaluated: 2011-02-02. Review status: criteria provided, single submitter. Criteria: LMM Criteria. Collection method: clinical testing. Allele origin: germline. Observed: 370 variant alleles.
Comment: The Thr271Thr variant has been reported in dbSNP in over ten populations with mi nor allele frequencies as high as 53% (rs1445398). In addition, the variant does not result in an amino acid substitution nor is it predicted to impact splicing . Therfore, this variant is highly likely to be benign.

Breakthrough Genomics
Classification: Benign. Review status: criteria provided, single submitter. Criteria: ACMG Guidelines, 2015. Collection method: not provided. Allele origin: germline. Inheritance: Autosomal dominant inheritance. Affected: yes.

PreventionGenetics, part of Exact Sciences
Classification: Benign. Review status: criteria provided, single submitter. Criteria: ACMG Guidelines, 2015. Collection method: clinical testing. Allele origin: germline.

NM_000503.6(EYA1):c.813A>G (p.Thr271=)

Gene: EYA1 (EYA transcriptional coactivator and phosphatase 1; minus strand). Cytogenetic location: 8q13.3.
Variant type: single nucleotide variant.
Coding change: c.813A>G on transcript NM_000503.6 (MANE Select); coding-DNA position 813, A replaced by G.
Protein change: p.Thr271=; no amino-acid change (threonine 271 retained).
Molecular consequence: synonymous variant.
Genome position (GRCh38, 1-based): chr8:71,299,060, T>C on the plus strand (A>G on the coding strand, the complement: EYA1 is on the minus strand). VCF-style: chr8-71299060-T-C. GRCh37 (hg19) VCF-style: chr8-72211295-T-C.
Other names: p.Thr271=; c.795A>G, p.Thr265= (NM_001288574.2); c.447A>G, p.Thr149= (NM_001288575.2); c.900A>G, p.Thr300= (NM_001370333.1); c.813A>G, p.Thr271= (NM_001370334.1, NM_001370335.1, NM_172058.4); c.882A>G, p.Thr294= (NM_001370336.1); c.885A>G, p.Thr295= (NM_172059.5).
Identifiers: ClinVar variation 48109 (VCV000048109.23), dbSNP rs1445398, ClinGen allele CA142609.
Genomic context (GRCh38, chr8:71,299,060, plus strand): 5'-ACCATTGAAAATATCACCTGCAGGACTAATAATATTCACATAATTACCTGCTGTGGGATC[T>C]GTAACTGCTTGGCTGGTGATGCCAGATGGCGGTTCTTGAAGCTGGTAAGTGGCATTGGTG-3'
Protein context (NP_000494.2, residues 261-281): PPSGITSQAV[Thr271=]DPTAEYSTIH